The following is an entry in ClinVar:

NM_001943.5(DSG2):c.151T>C (p.Trp51Arg)

Gene: DSG2 (desmoglein 2; plus strand). Cytogenetic location: 18q12.1.
Variant type: single nucleotide variant.
Coding change: c.151T>C on transcript NM_001943.5 (MANE Select); coding-DNA position 151, T replaced by C.
Protein change: p.Trp51Arg; replaces tryptophan 51 with arginine.
Molecular consequence: missense variant.
Genome position (GRCh38, 1-based): chr18:31,519,872, T>C. VCF-style: chr18-31519872-T-C. GRCh37 (hg19) VCF-style: chr18-29099835-T-C.
Other names: c.151T>C (LRG_397t1); short protein forms W51R.
Identifiers: ClinVar variation 420241 (VCV000420241.13), dbSNP rs1064794367, ClinGen allele CA16620676.

ClinVar aggregate classification (germline): Uncertain significance. Review status: criteria provided, multiple submitters, no conflicts (2 of 4 stars). 3 submissions from 3 submitters: Uncertain significance (3). Last evaluated 2020-02-14.

Conditions:
Arrhythmogenic right ventricular dysplasia 10. Also called: Arrhythmogenic Right Ventricular Dysplasia/Cardiomyopathy10; ARRHYTHMOGENIC RIGHT VENTRICULAR DYSPLASIA, FAMILIAL, 10; Arrhythmogenic right ventricular dysplasia/cardiomyopathy, type 10. Identifiers: MedGen C1857777, MONDO:0012434, OMIM 610193.

Submissions (3):

Labcorp Genetics (formerly Invitae), Labcorp
Classification: Uncertain significance for Arrhythmogenic right ventricular dysplasia 10. Last evaluated: 2020-02-14. Review status: criteria provided, single submitter. Criteria: Invitae Variant Classification Sherloc (09022015). Collection method: clinical testing. Allele origin: germline.
Comment: This sequence change replaces tryptophan with arginine at codon 51 of the DSG2 protein (p.Trp51Arg). The tryptophan residue is highly conserved and there is a moderate physicochemical difference between tryptophan and arginine. This variant is not present in population databases (ExAC no frequency). This variant has not been reported in the literature in individuals with DSG2-related conditions. ClinVar contains an entry for this variant (Variation ID: 420241). Algorithms developed to predict the effect of missense changes on protein structure and function (SIFT, PolyPhen-2, Align-GVGD) all suggest that this variant is likely to be disruptive, but these predictions have not been confirmed by published functional studies and their clinical significance is uncertain. In summary, the available evidence is currently insufficient to determine the role of this variant in disease. Therefore, it has been classified as a Variant of Uncertain Significance.

Stanford Center for Inherited Cardiovascular Disease, Stanford University
Classification: Uncertain significance. Last evaluated: 2016-05-17. Review status: criteria provided, single submitter. Criteria: ACMG Guidelines, 2015. Collection method: provider interpretation. Allele origin: germline.

GeneDx
Classification: Uncertain significance. Last evaluated: 2015-12-07. Review status: criteria provided, single submitter. Criteria: GeneDx Variant Classification (06012015). Collection method: clinical testing. Allele origin: germline. Affected: yes.
Comment: A variant of uncertain significance has been identified in the DSG2 gene. The W51R variant has not been published as a pathogenic variant, nor has it been reported as a benign variant to our knowledge. The W51R variant was not observed in approximately 6,000 individuals of European and African American ancestry in the NHLBI Exome Sequencing Project, indicating it is not a common benign variant in these populations. The W51R variant is a non-conservative amino acid substitution, which is likely to impact secondary protein structure as these residues differ in polarity, charge, size and/or other properties. This substitution occurs at a position that is conserved across species. In silico analysis predicts this variant is probably damaging to the protein structure/function. Finally, missense variants in nearby residues (R46W, R46Q, R49H) have been reported in the Human Gene Mutation Database in association with ARVC (Stenson et al., 2014).